The following is an entry in ClinVar:

NM_181332.3(NLGN4X):c.2377C>T (p.His793Tyr)

Gene: NLGN4X (neuroligin 4 X-linked; minus strand). Cytogenetic location: Xp22.32.
Variant type: single nucleotide variant.
Coding change: c.2377C>T on transcript NM_181332.3 (MANE Select); coding-DNA position 2377, C replaced by T.
Protein change: p.His793Tyr; replaces histidine 793 with tyrosine.
Molecular consequence: missense variant.
Genome position (GRCh38, 1-based): chrX:5,892,891, G>A on the plus strand (C>T on the coding strand, the complement: NLGN4X is on the minus strand). VCF-style: chrX-5892891-G-A. GRCh37 (hg19) VCF-style: chrX-5810932-G-A.
Other names: c.2377C>T, p.His793Tyr (NM_001282145.2, NM_001282146.2, NM_001441322.1 and 4 more transcripts); short protein forms H793Y.
Identifiers: ClinVar variation 5008303 (VCV005008303.1).
Genomic context (GRCh38, chrX:5,892,891, plus strand): 5'-TGGAATGTCCGTGGGGTAAATTTGTACTGTTTTGTCCTCCACTGAAGGTGTTAAAAGTGT[G>A]CAAAGGCTGCATCCCCGTCAGTGTGTTTGGAATCATGGTGATGGTGTTTGGCGTCATAAG-3'
Protein context (NP_851849.1, residues 783-803): PNTLTGMQPL[His793Tyr]TFNTFSGGQN

ClinVar aggregate classification (germline): Uncertain significance (1 of 4 stars; one submission).

Submission:

GeneDx
Classification: Uncertain significance. Last evaluated: 2026-03-05. Review status: criteria provided, single submitter. Criteria: GeneDx Variant Classification Process June 2021. Collection method: clinical testing. Allele origin: germline.
Comment: Not observed at significant frequency in large population cohorts (gnomAD); In silico analysis supports that this missense variant has a deleterious effect on protein structure/function; Has not been previously published as pathogenic or benign to our knowledge